The following is an entry in ClinVar:

ClinVar aggregate classification (germline): Pathogenic (1 of 4 stars; one submission).

Submission:

Labcorp Genetics (formerly Invitae), Labcorp
Classification: Pathogenic. Last evaluated: 2024-01-24. Review status: criteria provided, single submitter. Criteria: Invitae Variant Classification Sherloc (09022015). Collection method: clinical testing. Allele origin: germline.
Comment: This sequence change creates a premature translational stop signal (p.Ser434Cysfs*50) in the TG gene. It is expected to result in an absent or disrupted protein product. Loss-of-function variants in TG are known to be pathogenic (PMID: 19837936, 23164529). This variant is not present in population databases (gnomAD no frequency). This variant has not been reported in the literature in individuals affected with TG-related conditions. For these reasons, this variant has been classified as Pathogenic.

Literature cited by the submitters: PubMed 19837936; PubMed 23164529.

NM_003235.5(TG):c.1301_1302del (p.Ser434fs)

Gene: TG (thyroglobulin; plus strand). Cytogenetic location: 8q24.22.
Variant type: Deletion.
Coding change: c.1301_1302del on transcript NM_003235.5 (MANE Select); coding-DNA positions 1301 to 1302, 2 bases deleted (CT; older notation c.1301_1302delCT).
Protein change: p.Ser434fs; shifts the reading frame from serine 434.
Molecular consequence: frameshift variant.
Genome position (GRCh38, 1-based): chr8:132,886,673-132,886,674, CT deleted; deleting any 2 consecutive bases within chr8:132,886,672-132,886,674 gives the same sequence; the c. name uses the placement nearest the transcript's 3' end. VCF-style (leftmost placement, unchanged base first): chr8-132886671-TTC-T. GRCh37 (hg19) VCF-style: chr8-133898916-TTC-T.
Other names: short protein forms S434fs.
Identifiers: ClinVar variation 2892870 (VCV002892870.3), dbSNP rs2489810812, ClinGen allele CA2739268986.